The following is an entry in ClinVar:

NM_001374736.1(DST):c.12388C>T (p.His4130Tyr)

Genes: DST (dystonin; minus strand), LOC129996656 (ATAC-STARR-seq lymphoblastoid active region 24702; plus strand). Cytogenetic location: 6p12.1.
Variant type: single nucleotide variant.
Coding change: c.12388C>T on transcript NM_001374736.1 (MANE Select); coding-DNA position 12388, C replaced by T.
Protein change: p.His4130Tyr; replaces histidine 4130 with tyrosine.
Molecular consequence: missense variant.
Genome position (GRCh38, 1-based): chr6:56,594,001, G>A on the plus strand (C>T on the coding strand, the complement: DST is on the minus strand). VCF-style: chr6-56594001-G-A. GRCh37 (hg19) VCF-style: chr6-56458799-G-A.
Other names: c.6031C>T, p.His2011Tyr (NM_001144769.5); c.5617C>T, p.His1873Tyr (NM_001144770.2); c.12388C>T, p.His4130Tyr (NM_001374722.1); c.11755C>T, p.His3919Tyr (NM_001374729.1); c.5497C>T, p.His1833Tyr (NM_001374730.1, NM_001386100.1, NM_183380.4); c.12415C>T, p.His4139Tyr (NM_001374734.1); c.4519C>T, p.His1507Tyr (NM_015548.5); short protein forms H1833Y, H1873Y, H1507Y, H2011Y, H4139Y, H4130Y, H3919Y.
Identifiers: ClinVar variation 1045691 (VCV001045691.7), dbSNP rs772590922, ClinGen allele CA364526414.

ClinVar aggregate classification (germline): Uncertain significance (1 of 4 stars; one submission).

Conditions:
Hereditary sensory and autonomic neuropathy type 6. Also called: Neuropathy, hereditary sensory and autonomic, type VI; HSAN VI. Identifiers: Orphanet 314381, MedGen C3539003, MONDO:0013839, OMIM 614653.
Epidermolysis bullosa simplex 3, localized or generalized intermediate, with BP230 deficiency (EBS3). Also called: Epidermolysis bullosa simplex, autosomal recessive 2; Epidermolysis bullosa simplex due to BP230 deficiency. Identifiers: Orphanet 412181, MedGen C3809470, MONDO:0014180, OMIM 615425.

gnomAD v4.1: 6 of 1,613,858 alleles (0.00037%); highest among the groups gnomAD compares: Non-Finnish European, 0.00042%; no homozygotes.

Submission:

Labcorp Genetics (formerly Invitae), Labcorp
Classification: Uncertain significance for Epidermolysis bullosa simplex 3, localized or generalized intermediate, with BP230 deficiency; Hereditary sensory and autonomic neuropathy type 6. Last evaluated: 2020-07-21. Review status: criteria provided, single submitter. Criteria: Invitae Variant Classification Sherloc (09022015). Collection method: clinical testing. Allele origin: germline.
Comment: In summary, the available evidence is currently insufficient to determine the role of this variant in disease. Therefore, it has been classified as a Variant of Uncertain Significance. Experimental studies and prediction algorithms are not available or were not evaluated, and the functional significance of this variant is currently unknown. This variant has not been reported in the literature in individuals with DST-related conditions. This variant is not present in population databases (ExAC no frequency). This sequence change replaces histidine with tyrosine at codon 1507 of the DST protein (p.His1507Tyr). The histidine residue is moderately conserved and there is a moderate physicochemical difference between the two amino acids. The DST gene has multiple clinically relevant transcripts. This variant occurs in alternate transcript NM_015548.4, and corresponds to NM_001723.5:c.*21516C>T in the primary transcript.